The following is an entry in ClinVar:

NM_015466.4(PTPN23):c.1807G>A (p.Glu603Lys)

Gene: PTPN23 (protein tyrosine phosphatase non-receptor type 23; plus strand). Cytogenetic location: 3p21.31.
Variant type: single nucleotide variant.
Coding change: c.1807G>A on transcript NM_015466.4 (MANE Select); coding-DNA position 1807, G replaced by A.
Protein change: p.Glu603Lys; replaces glutamic acid 603 with lysine.
Molecular consequence: missense variant.
Genome position (GRCh38, 1-based): chr3:47,409,426, G>A. VCF-style: chr3-47409426-G-A. GRCh37 (hg19) VCF-style: chr3-47450916-G-A.
Other names: c.1429G>A, p.Glu477Lys (NM_001304482.2); c.1807G>A (NM_015466.2); short protein forms E603K, E477K.
Identifiers: ClinVar variation 1363364 (VCV001363364.4), dbSNP rs141113890, ClinGen allele CA2365832.

ClinVar aggregate classification (germline): Uncertain significance. Review status: criteria provided, multiple submitters, no conflicts (2 of 4 stars). 2 submissions from 2 submitters: Uncertain significance (2). Last evaluated 2021-12-03.

Conditions:
Inborn genetic diseases. Identifiers: MedGen C0950123, MeSH D030342.

Allele frequency attached by ClinVar (database versions not stated): TOPMed 0.00001; ExAC 0.00002; gnomAD 0.00002 and 0.00003; gnomAD exomes 0.00002 and 0.00004; 1000 Genomes Project 30x 0.00016; 1000 Genomes Project 0.00020.
gnomAD v4.1: 31 of 1,614,122 alleles (0.0019%); highest among the groups gnomAD compares: East Asian, 0.029%; no homozygotes.

Submissions (2):

Labcorp Genetics (formerly Invitae), Labcorp
Classification: Uncertain significance. Last evaluated: 2021-12-03. Review status: criteria provided, single submitter. Criteria: Invitae Variant Classification Sherloc (09022015). Collection method: clinical testing. Allele origin: germline.
Comment: This sequence change replaces glutamic acid, which is acidic and polar, with lysine, which is basic and polar, at codon 603 of the PTPN23 protein (p.Glu603Lys). This variant is present in population databases (rs141113890, gnomAD 0.03%). This variant has not been reported in the literature in individuals affected with PTPN23-related conditions. Algorithms developed to predict the effect of missense changes on protein structure and function are either unavailable or do not agree on the potential impact of this missense change (SIFT: "Tolerated"; PolyPhen-2: "Not Available"; Align-GVGD: "Class C0"). In summary, the available evidence is currently insufficient to determine the role of this variant in disease. Therefore, it has been classified as a Variant of Uncertain Significance.

Ambry Genetics
Classification: Uncertain significance for Inborn genetic diseases. Last evaluated: 2021-08-02. Review status: criteria provided, single submitter. Criteria: Ambry Variant Classification Scheme 2023. Collection method: clinical testing. Allele origin: germline.